The following is an entry in ClinVar:

ClinVar aggregate classification (germline): Uncertain significance. Review status: criteria provided, single submitter (1 of 4 stars). 2 submissions from 2 submitters: Uncertain significance (1). 1 of the submissions does not count toward it. Last evaluated 2024-06-06.

Conditions:
MHC class II deficiency. Also called: Bare lymphocyte syndrome 2; BLS, TYPE II. Identifiers: Orphanet 572, MedGen C5447452, MONDO:0008855.

Allele frequency attached by ClinVar (database versions not stated): gnomAD 0.00007 and 0.00002; ESP Exome Variant Server 0.00008; TOPMed 0.00002.
gnomAD v4.1: 53 of 1,613,942 alleles (0.0033%); highest among the groups gnomAD compares: Admixed American, 0.017%; no homozygotes.

Submissions (2):

Labcorp Genetics (formerly Invitae), Labcorp
Classification: Uncertain significance for MHC class II deficiency. Last evaluated: 2024-06-06. Review status: criteria provided, single submitter. Criteria: Invitae Variant Classification Sherloc (09022015). Collection method: clinical testing. Allele origin: germline.
Comment: This sequence change replaces arginine, which is basic and polar, with glutamine, which is neutral and polar, at codon 955 of the CIITA protein (p.Arg955Gln). This variant is present in population databases (rs202244966, gnomAD 0.01%). This variant has not been reported in the literature in individuals affected with CIITA-related conditions. ClinVar contains an entry for this variant (Variation ID: 640980). An algorithm developed to predict the effect of missense changes on protein structure and function (PolyPhen-2) suggests that this variant is likely to be disruptive. In summary, the available evidence is currently insufficient to determine the role of this variant in disease. Therefore, it has been classified as a Variant of Uncertain Significance.

Natera, Inc.
Classification: Uncertain significance for Bare lymphocyte syndrome type II. Last evaluated: 2020-04-24. Review status: no assertion criteria provided. Collection method: clinical testing. Allele origin: germline. Not counted in ClinVar's aggregate classification.

NM_000246.4(CIITA):c.2864G>A (p.Arg955Gln)

Gene: CIITA (class II major histocompatibility complex transactivator; plus strand). Cytogenetic location: 16p13.13.
Variant type: single nucleotide variant.
Coding change: c.2864G>A on transcript NM_000246.4 (MANE Select); coding-DNA position 2864, G replaced by A.
Protein change: p.Arg955Gln; replaces arginine 955 with glutamine.
Molecular consequence: missense variant. On other transcripts: non-coding transcript variant (1).
Genome position (GRCh38, 1-based): chr16:10,910,235, G>A. VCF-style: chr16-10910235-G-A. GRCh37 (hg19) VCF-style: chr16-11004092-G-A.
Other names: c.2867G>A, p.Arg956Gln (NM_001286402.1, NM_001379332.1); c.1112G>A, p.Arg371Gln (NM_001286403.2); c.2720G>A, p.Arg907Gln (NM_001379330.1); c.2717G>A, p.Arg906Gln (NM_001379331.1); c.2864G>A, p.Arg955Gln (NM_001379333.1); c.2795G>A, p.Arg932Gln (NM_001379334.1); short protein forms R371Q, R955Q, R956Q, R906Q, R907Q, R932Q.
Identifiers: ClinVar variation 640980 (VCV000640980.5), dbSNP rs202244966, ClinGen allele CA7900527.